The following is an entry in ClinVar:

ClinVar aggregate classification (germline): Conflicting classifications of pathogenicity. Review status: criteria provided, conflicting classifications (1 of 4 stars). 3 submissions from 3 submitters: Uncertain significance (2); Likely benign (1). Last evaluated 2025-11-03.

Conditions:
Gastrointestinal stromal tumor. Also called: Gastrointestinal stroma tumor; Gastrointestinal stromal tumor, somatic. Identifiers: Orphanet 44890, MedGen C0238198, MeSH D046152, MONDO:0011719, OMIM 606764, HP:0100723.
Polyps, multiple and recurrent inflammatory fibroid, gastrointestinal. Identifiers: MedGen C5193005, MONDO:0008285, OMIM 175510.
Hereditary cancer-predisposing syndrome. Also called: Tumor predisposition; Hereditary neoplastic syndrome; Hereditary Cancer Syndrome; Neoplastic Syndromes, Hereditary. Identifiers: Orphanet 140162, MedGen C0027672, MeSH D009386, MONDO:0015356.

Allele frequency attached by ClinVar (database versions not stated): gnomAD exomes below 0.00001 and 0.00001; gnomAD 0.00001; TOPMed 0.00001.
gnomAD v4.1: 3 of 1,613,982 alleles (0.00019%); highest among the groups gnomAD compares: East Asian, 0.0022%; no homozygotes.

Submissions (3):

Labcorp Genetics (formerly Invitae), Labcorp
Classification: Uncertain significance for Gastrointestinal stromal tumor. Last evaluated: 2025-11-03. Review status: criteria provided, single submitter. Criteria: Invitae Variant Classification Sherloc (09022015). Collection method: clinical testing. Allele origin: germline.
Comment: This sequence change replaces glycine, which is neutral and non-polar, with serine, which is neutral and polar, at codon 79 of the PDGFRA protein (p.Gly79Ser). This variant is present in population databases (no rsID available, gnomAD 0.007%). This variant has not been reported in the literature in individuals affected with PDGFRA-related conditions. ClinVar contains an entry for this variant (Variation ID: 528578). Invitae Evidence Modeling of protein sequence and biophysical properties (such as structural, functional, and spatial information, amino acid conservation, physicochemical variation, residue mobility, and thermodynamic stability) indicates that this missense variant is not expected to disrupt PDGFRA protein function with a negative predictive value of 80%. In summary, the available evidence is currently insufficient to determine the role of this variant in disease. Therefore, it has been classified as a Variant of Uncertain Significance.

Ambry Genetics
Classification: Likely benign for Hereditary cancer-predisposing syndrome. Last evaluated: 2025-08-04. Review status: criteria provided, single submitter. Criteria: Ambry Variant Classification Scheme 2023. Collection method: clinical testing. Allele origin: germline.

Baylor Genetics
Classification: Uncertain significance for Polyps, multiple and recurrent inflammatory fibroid, gastrointestinal. Last evaluated: 2024-01-29. Review status: criteria provided, single submitter. Criteria: ACMG Guidelines, 2015. Collection method: clinical testing. Allele origin: unknown.

NM_006206.6(PDGFRA):c.235G>A (p.Gly79Ser)

Gene: PDGFRA (platelet derived growth factor receptor alpha; plus strand). Cytogenetic location: 4q12.
Variant type: single nucleotide variant.
Coding change: c.235G>A on transcript NM_006206.6 (MANE Select); coding-DNA position 235, G replaced by A.
Protein change: p.Gly79Ser; replaces glycine 79 with serine.
Molecular consequence: missense variant.
Genome position (GRCh38, 1-based): chr4:54,261,280, G>A. VCF-style: chr4-54261280-G-A. GRCh37 (hg19) VCF-style: chr4-55127447-G-A.
Other names: c.235G>A, p.Gly79Ser (NM_001347827.2, NM_001347829.2); c.310G>A, p.Gly104Ser (NM_001347828.2); c.274G>A, p.Gly92Ser (NM_001347830.2); short protein forms G79S, G92S, G104S.
Identifiers: ClinVar variation 528578 (VCV000528578.12), dbSNP rs1333247214, ClinGen allele CA356888591.